The following is an entry in ClinVar:

ClinVar aggregate classification (germline): Uncertain significance (1 of 4 stars; one submission).

Conditions:
Charcot-Marie-Tooth disease axonal type 2O. Also called: Charcot-Marie-Tooth disease, axonal, type 20; CHARCOT-MARIE-TOOTH NEUROPATHY, AXONAL, TYPE 2O; CHARCOT-MARIE-TOOTH DISEASE, AXONAL, AUTOSOMAL DOMINANT, TYPE 2O; Charcot-Marie-Tooth Neuropathy Type 2O. Identifiers: Orphanet 284232, MedGen C3280220, MONDO:0013644, OMIM 614228.

Submission:

Labcorp Genetics (formerly Invitae), Labcorp
Classification: Uncertain significance for Charcot-Marie-Tooth disease axonal type 2O. Last evaluated: 2024-05-23. Review status: criteria provided, single submitter. Criteria: Invitae Variant Classification Sherloc (09022015). Collection method: clinical testing. Allele origin: germline.
Comment: This sequence change replaces methionine, which is neutral and non-polar, with isoleucine, which is neutral and non-polar, at codon 3500 of the DYNC1H1 protein (p.Met3500Ile). This variant is not present in population databases (gnomAD no frequency). This variant has not been reported in the literature in individuals affected with DYNC1H1-related conditions. Advanced modeling of protein sequence and biophysical properties (such as structural, functional, and spatial information, amino acid conservation, physicochemical variation, residue mobility, and thermodynamic stability) has been performed at Invitae for this missense variant, however the output from this modeling did not meet the statistical confidence thresholds required to predict the impact of this variant on DYNC1H1 protein function. In summary, the available evidence is currently insufficient to determine the role of this variant in disease. Therefore, it has been classified as a Variant of Uncertain Significance.

NM_001376.5(DYNC1H1):c.10500G>A (p.Met3500Ile)

Gene: DYNC1H1 (dynein cytoplasmic 1 heavy chain 1; plus strand). Cytogenetic location: 14q32.31.
Variant type: single nucleotide variant.
Coding change: c.10500G>A on transcript NM_001376.5 (MANE Select); coding-DNA position 10500, G replaced by A.
Protein change: p.Met3500Ile; replaces methionine 3500 with isoleucine.
Molecular consequence: missense variant.
Genome position (GRCh38, 1-based): chr14:102,034,062, G>A. VCF-style: chr14-102034062-G-A. GRCh37 (hg19) VCF-style: chr14-102500399-G-A.
Other names: short protein forms M3500I.
Identifiers: ClinVar variation 3636173 (VCV003636173.2).